The following is an entry in ClinVar:

ClinVar aggregate classification (germline): Benign (1 of 4 stars; one submission).

Conditions:
Quebec platelet disorder (QPD). Also called: FACTOR V QUEBEC; BLEEDING DISORDER, PLATELET-TYPE, 5. Identifiers: Orphanet 220436, MedGen C1866423, MONDO:0011136, OMIM 601709.

Allele frequency attached by ClinVar (database versions not stated): gnomAD 0.00312 and 0.00322; gnomAD exomes 0.00433; 1000 Genomes Project 0.00160; 1000 Genomes Project 30x 0.00156; TOPMed 0.00188.
gnomAD v4.1: 538 of 165,530 alleles (0.33%); highest among the groups gnomAD compares: South Asian, 0.73%; 2 homozygotes.

Submission:

Illumina Laboratory Services, Illumina
Classification: Benign for Quebec platelet disorder. Last evaluated: 2018-01-13. Review status: criteria provided, single submitter. Criteria: ICSL Variant Classification Criteria 13 December 2019. Collection method: clinical testing. Allele origin: germline.
Comment: This variant was observed in the ICSL laboratory as part of a predisposition screen in an ostensibly healthy population. It had not been previously curated by ICSL or reported in the Human Gene Mutation Database (HGMD: prior to June 1st, 2018), and was therefore a candidate for classification through an automated scoring system. Utilizing variant allele frequency, disease prevalence and penetrance estimates, and inheritance mode, an automated score was calculated to assess if this variant is too frequent to cause the disease. Based on the score and internal cut-off values, a variant classified as benign is not then subjected to further curation. The score for this variant resulted in a classification of benign for this disease.

NM_002658.6(PLAU):c.*444T>A

Genes: C10orf55 (chromosome 10 putative open reading frame 55; minus strand), PLAU (plasminogen activator, urokinase; plus strand). Cytogenetic location: 10q22.2.
Variant type: single nucleotide variant.
Coding change: c.*444T>A on transcript NM_002658.6 (MANE Select); 444 bases downstream of the stop codon, T replaced by A.
Molecular consequence: 3 prime UTR variant.
Genome position (GRCh38, 1-based): chr10:73,917,009, T>A. VCF-style: chr10-73917009-T-A. GRCh37 (hg19) VCF-style: chr10-75676767-T-A.
Other names: c.*444T>A (NM_001145031.3, NM_001319191.2).
Identifiers: ClinVar variation 300771 (VCV000300771.5), dbSNP rs145634997, ClinGen allele CA10636303.
Genomic context (GRCh38, chr10:73,917,009, plus strand): 5'-ATTAGGAAGTGTAACAGCTGAGGTCTCTTGAGGGAGCTTAGCCAATGTGGGAGCAGCGGT[T>A]TGGGGAGCAGAGACACTAACGACTTCAGGGCAGGGCTCTGATATTCCATGAATGTATCAG-3'